The following is an entry in ClinVar:

NM_032638.5(GATA2):c.1075T>G (p.Leu359Val)

Gene: GATA2 (GATA binding protein 2; minus strand). Cytogenetic location: 3q21.3.
Variant type: single nucleotide variant.
Coding change: c.1075T>G on transcript NM_032638.5 (MANE Select); coding-DNA position 1075, T replaced by G.
Protein change: p.Leu359Val; replaces leucine 359 with valine.
Molecular consequence: missense variant.
Genome position (GRCh38, 1-based): chr3:128,481,887, A>C on the plus strand (T>G on the coding strand, the complement: GATA2 is on the minus strand). VCF-style: chr3-128481887-A-C. GRCh37 (hg19) VCF-style: chr3-128200730-A-C.
Other names: c.1075T>G, p.Leu359Val (NM_001145661.2); c.1033T>G, p.Leu345Val (NM_001145662.1); short protein forms L359V, L345V.
Identifiers: ClinVar variation 404083 (VCV000404083.7), dbSNP rs1060500091, ClinGen allele CA16611354.

ClinVar aggregate classification (germline): Conflicting classifications of pathogenicity. Review status: criteria provided, conflicting classifications (1 of 4 stars). 2 submissions from 2 submitters: Likely pathogenic (1); Uncertain significance (1). Last evaluated 2025-02-09.

Conditions:
Deafness-lymphedema-leukemia syndrome. Also called: Emberger syndrome; Lymphedema, primary, with myelodysplasia. Identifiers: Orphanet 3226, MedGen C3279664, MONDO:0013540, OMIM 614038.
Monocytopenia with susceptibility to infections. Also called: MONOCYTOPENIA AND MYCOBACTERIAL INFECTION SYNDROME; MONOCYTOPENIA WITH SUSCEPTIBILITY TO MYCOBACTERIAL, FUNGAL, AND PAPILLOMAVIRUS INFECTIONS AND MYELODYSPLASIA; COMBINED IMMUNODEFICIENCY WITH SUSCEPTIBILITY TO MYCOBACTERIAL, VIRAL, AND FUNGAL INFECTIONS; Dendritic cell, monocyte, B lymphocyte, and natural killer lymphocyte deficiency; IMMUNODEFICIENCY 21; GATA2 DEFICIENCY. Identifiers: Orphanet 228423, MedGen C3280030, MONDO:0013607, OMIM 614172.

Submissions (2):

Labcorp Genetics (formerly Invitae), Labcorp
Classification: Uncertain significance for Monocytopenia with susceptibility to infections; Deafness-lymphedema-leukemia syndrome. Last evaluated: 2025-02-09. Review status: criteria provided, single submitter. Criteria: Invitae Variant Classification Sherloc (09022015). Collection method: clinical testing. Allele origin: germline.
Comment: This sequence change replaces leucine, which is neutral and non-polar, with valine, which is neutral and non-polar, at codon 359 of the GATA2 protein (p.Leu359Val). This variant is not present in population databases (gnomAD no frequency). This missense change has been observed in individual(s) with clinical features of GATA2-related conditions (PMID: 24754962, 34387894). ClinVar contains an entry for this variant (Variation ID: 404083). Invitae Evidence Modeling of protein sequence and biophysical properties (such as structural, functional, and spatial information, amino acid conservation, physicochemical variation, residue mobility, and thermodynamic stability) indicates that this missense variant is expected to disrupt GATA2 protein function with a positive predictive value of 80%. Experimental studies have shown that this missense change affects GATA2 function (PMID: 18250304, 25676417, 32555368, 35181392). In summary, the available evidence is currently insufficient to determine the role of this variant in disease. Therefore, it has been classified as a Variant of Uncertain Significance.

GeneDx
Classification: Likely pathogenic. Last evaluated: 2024-10-18. Review status: criteria provided, single submitter. Criteria: GeneDx Variant Classification Process June 2021. Collection method: clinical testing. Allele origin: germline. Affected: yes.
Comment: Not observed at significant frequency in large population cohorts (gnomAD); In silico analysis supports that this missense variant has a deleterious effect on protein structure/function; This variant is associated with the following publications: (PMID: 18250304, 21892162, 1714909, 28179282, 31106410, 22492510, 30190467, 32554558, 24634115, 25619630, 23926458, 24754962, 25707267, 19304323, 25676417, 31785092, 28637621, 22649106, 31112981, 26214525, 26953528, 21297973, 28566565, 23613679, 35181392, 32555368, 37580379, 34387894, 34078881)

Literature cited by the submitters: PubMed 24754962 (cited by Labcorp Genetics (formerly Invitae), Labcorp); PubMed 34387894 (cited by Labcorp Genetics (formerly Invitae), Labcorp); PubMed 18250304 (cited by Labcorp Genetics (formerly Invitae), Labcorp); PubMed 25676417 (cited by Labcorp Genetics (formerly Invitae), Labcorp); PubMed 32555368 (cited by Labcorp Genetics (formerly Invitae), Labcorp); PubMed 35181392 (cited by Labcorp Genetics (formerly Invitae), Labcorp).